The following is an entry in ClinVar:

ClinVar aggregate classification (germline): Uncertain significance. Review status: criteria provided, multiple submitters, no conflicts (2 of 4 stars). 2 submissions from 2 submitters: Uncertain significance (2). Last evaluated 2025-04-02.

Conditions:
Cardiovascular phenotype. Identifiers: MedGen CN230736.
Arrhythmogenic right ventricular dysplasia 9 (ARVD9). Also called: Arrhythmogenic Right Ventricular Dysplasia/Cardiomyopathy 9; ARRHYTHMOGENIC RIGHT VENTRICULAR DYSPLASIA, FAMILIAL, 9. Identifiers: MedGen C1836906, MONDO:0012180, OMIM 609040.

Allele frequency attached by ClinVar (database versions not stated): gnomAD 0.00001.

Submissions (2):

Ambry Genetics
Classification: Uncertain significance for Cardiovascular phenotype. Last evaluated: 2025-04-02. Review status: criteria provided, single submitter. Criteria: Ambry Variant Classification Scheme 2023. Collection method: clinical testing. Allele origin: germline.
Comment: The p.G18D variant (also known as c.53G>A), located in coding exon 1 of the PKP2 gene, results from a G to A substitution at nucleotide position 53. The glycine at codon 18 is replaced by aspartic acid, an amino acid with similar properties. This amino acid position is conserved. In addition, the in silico prediction for this alteration is inconclusive. Based on the available evidence, the clinical significance of this variant remains unclear.

Labcorp Genetics (formerly Invitae), Labcorp
Classification: Uncertain significance for Arrhythmogenic right ventricular dysplasia 9. Last evaluated: 2022-11-11. Review status: criteria provided, single submitter. Criteria: Invitae Variant Classification Sherloc (09022015). Collection method: clinical testing. Allele origin: germline.
Comment: This sequence change replaces glycine, which is neutral and non-polar, with aspartic acid, which is acidic and polar, at codon 18 of the PKP2 protein (p.Gly18Asp). This variant is present in population databases (no rsID available, gnomAD 0.01%). This variant has not been reported in the literature in individuals affected with PKP2-related conditions. Algorithms developed to predict the effect of missense changes on protein structure and function are either unavailable or do not agree on the potential impact of this missense change (SIFT: "Tolerated"; PolyPhen-2: "Probably Damaging"; Align-GVGD: "Class C0"). In summary, the available evidence is currently insufficient to determine the role of this variant in disease. Therefore, it has been classified as a Variant of Uncertain Significance.

NM_001005242.3(PKP2):c.53G>A (p.Gly18Asp)

Gene: PKP2 (plakophilin 2; minus strand). Cytogenetic location: 12p11.21.
Variant type: single nucleotide variant.
Coding change: c.53G>A on transcript NM_001005242.3 (MANE Select); coding-DNA position 53, G replaced by A.
Protein change: p.Gly18Asp; replaces glycine 18 with aspartic acid.
Molecular consequence: missense variant. On other transcripts: 5 prime UTR variant (4).
Genome position (GRCh38, 1-based): chr12:32,896,679, C>T on the plus strand (G>A on the coding strand, the complement: PKP2 is on the minus strand). VCF-style: chr12-32896679-C-T. GRCh37 (hg19) VCF-style: chr12-33049613-C-T.
Other names: c.53G>A, p.Gly18Asp (NM_001407155.1, NM_001407156.1, NM_001407157.1 and 2 more transcripts); c.-774G>A (NM_001407158.1, NM_001407162.1); c.-538G>A (NM_001407159.1, NM_001407160.1); short protein forms G18D.
Identifiers: ClinVar variation 2911833 (VCV002911833.4), dbSNP rs1190037149, ClinGen allele CA384371641.